The following is an entry in ClinVar:

NM_206933.4(USH2A):c.848+7A>G

Gene: USH2A (usherin; minus strand). Cytogenetic location: 1q41.
Variant type: single nucleotide variant.
Coding change: c.848+7A>G on transcript NM_206933.4 (MANE Select); 7 bases into the intron after coding-DNA position 848, A replaced by G.
Molecular consequence: intron variant.
Genome position (GRCh38, 1-based): chr1:216,327,584, T>C on the plus strand (A>G on the coding strand, the complement: USH2A is on the minus strand). VCF-style: chr1-216327584-T-C. GRCh37 (hg19) VCF-style: chr1-216500926-T-C.
Other names: c.848+7A>G (NM_007123.6).
Identifiers: ClinVar variation 4872732 (VCV004872732.2).

ClinVar aggregate classification (germline): Likely benign (1 of 4 stars; one submission).

gnomAD v4.1: 3 of 1,612,982 alleles (0.00019%); highest among the groups gnomAD compares: Non-Finnish European, 0.00025%; no homozygotes.

Submission:

CeGaT Center for Human Genetics Tuebingen
Classification: Likely benign. Last evaluated: 2026-04-01. Review status: criteria provided, single submitter. Criteria: CeGaT Center For Human Genetics Tuebingen Variant Classification Criteria Version 2. Collection method: clinical testing. Allele origin: germline. Affected: yes. Observed: 1 variant allele.
Comment: USH2A: BP4